The following is an entry in ClinVar:

NM_003816.3(ADAM9):c.2252G>A (p.Gly751Glu)

Gene: ADAM9 (ADAM metallopeptidase domain 9; plus strand). Cytogenetic location: 8p11.22.
Variant type: single nucleotide variant.
Coding change: c.2252G>A on transcript NM_003816.3 (MANE Select); coding-DNA position 2252, G replaced by A.
Protein change: p.Gly751Glu; replaces glycine 751 with glutamic acid.
Molecular consequence: missense variant. On other transcripts: non-coding transcript variant (3).
Genome position (GRCh38, 1-based): chr8:39,091,300, G>A. VCF-style: chr8-39091300-G-A. GRCh37 (hg19) VCF-style: chr8-38948819-G-A.
Other names: short protein forms G751E.
Identifiers: ClinVar variation 1369210 (VCV001369210.8), dbSNP rs1324667255, ClinGen allele CA370750042.

ClinVar aggregate classification (germline): Uncertain significance (1 of 4 stars; one submission).

Allele frequency attached by ClinVar (database versions not stated): gnomAD exomes below 0.00001; TOPMed 0.00001.
gnomAD v4.1: 2 of 1,614,064 alleles (0.00012%); highest among the groups gnomAD compares: African/African-American, 0.0013%; no homozygotes.

Submission:

Labcorp Genetics (formerly Invitae), Labcorp
Classification: Uncertain significance. Last evaluated: 2022-06-20. Review status: criteria provided, single submitter. Criteria: Invitae Variant Classification Sherloc (09022015). Collection method: clinical testing. Allele origin: germline.
Comment: In summary, the available evidence is currently insufficient to determine the role of this variant in disease. Therefore, it has been classified as a Variant of Uncertain Significance. Algorithms developed to predict the effect of missense changes on protein structure and function (SIFT, PolyPhen-2, Align-GVGD) all suggest that this variant is likely to be tolerated. This variant has not been reported in the literature in individuals affected with ADAM9-related conditions. This variant is present in population databases (no rsID available, gnomAD 0.007%). This sequence change replaces glycine, which is neutral and non-polar, with glutamic acid, which is acidic and polar, at codon 751 of the ADAM9 protein (p.Gly751Glu).